The following is an entry in ClinVar:

NM_024675.4(PALB2):c.1396_1399dup (p.Gly467fs)

Gene: PALB2 (partner and localizer of BRCA2; minus strand). Cytogenetic location: 16p12.2.
Variant type: Duplication.
Coding change: c.1396_1399dup on transcript NM_024675.4 (MANE Select); coding-DNA positions 1396 to 1399, 4 bases duplicated (TCTG; older notation c.1396_1399dupTCTG).
Protein change: p.Gly467fs; shifts the reading frame from glycine 467.
Molecular consequence: frameshift variant.
Genome position (GRCh38, 1-based): chr16:23,635,147-23,635,150, CAGA duplicated on the plus strand (TCTG on the coding strand, the reverse complement: PALB2 is on the minus strand); duplicating any 4 consecutive bases within chr16:23,635,147-23,635,152 gives the same sequence; the c. name uses the placement nearest the transcript's 3' end. VCF-style (leftmost placement, unchanged base first): chr16-23635146-C-CCAGA. GRCh37 (hg19) VCF-style: chr16-23646467-C-CCAGA.
Other names: short protein forms G467fs.
Identifiers: ClinVar variation 830137 (VCV000830137.1), dbSNP rs1966971699, ClinGen allele CA916081859.

ClinVar aggregate classification (germline): Pathogenic (0 of 4 stars; one submission).

Submission:

Leiden Open Variation Database
Classification: Pathogenic. Last evaluated: 2018-10-10. Review status: no assertion criteria provided. Collection method: curation. Allele origin: germline. Affected: yes.
Comment: Curators: Marc Tischkowitz, Arleen D. Auerbach. Submitter to LOVD: Yukihide Momozawa.

Literature cited by the submitters: PubMed 30287823.